The following is an entry in ClinVar:

ClinVar aggregate classification (germline): Benign (1 of 4 stars; one submission).

Allele frequency attached by ClinVar (database versions not stated): gnomAD 0.41373 and 0.41881; TOPMed 0.42274; 1000 Genomes Project 30x 0.52686; 1000 Genomes Project 0.53215.
gnomAD v4.1: 63,482 of 152,162 alleles (42%); highest among the groups gnomAD compares: East Asian, 86%; 14,368 homozygotes.

Submission:

GeneDx
Classification: Benign. Last evaluated: 2018-06-14. Review status: criteria provided, single submitter. Criteria: GeneDx Variant Classification (06012015). Collection method: clinical testing. Allele origin: germline. Affected: yes.
Comment: This variant is considered likely benign or benign based on one or more of the following criteria: it is a conservative change, it occurs at a poorly conserved position in the protein, it is predicted to be benign by multiple in silico algorithms, and/or has population frequency not consistent with disease.

NM_017617.5(NOTCH1):c.866-257G>A

Gene: NOTCH1 (notch receptor 1; minus strand). Cytogenetic location: 9q34.3.
Variant type: single nucleotide variant.
Coding change: c.866-257G>A on transcript NM_017617.5 (MANE Select); 257 bases into the intron before coding-DNA position 866, G replaced by A.
Molecular consequence: intron variant.
Genome position (GRCh38, 1-based): chr9:136,519,081, C>T on the plus strand (G>A on the coding strand, the complement: NOTCH1 is on the minus strand). VCF-style: chr9-136519081-C-T. GRCh37 (hg19) VCF-style: chr9-139413533-C-T.
Identifiers: ClinVar variation 680687 (VCV000680687.1), dbSNP rs9411209, ClinGen allele CA13022456.